The following is an entry in ClinVar:

NM_032040.5(CCDC8):c.438T>A (p.Ser146Arg)

Gene: CCDC8 (coiled-coil domain containing 8; minus strand). Cytogenetic location: 19q13.32.
Variant type: single nucleotide variant.
Coding change: c.438T>A on transcript NM_032040.5 (MANE Select); coding-DNA position 438, T replaced by A.
Protein change: p.Ser146Arg; replaces serine 146 with arginine.
Molecular consequence: missense variant.
Genome position (GRCh38, 1-based): chr19:46,412,373, A>T on the plus strand (T>A on the coding strand, the complement: CCDC8 is on the minus strand). VCF-style: chr19-46412373-A-T. GRCh37 (hg19) VCF-style: chr19-46915630-A-T.
Other names: c.438T>A (NM_032040.3); short protein forms S146R.
Identifiers: ClinVar variation 1404968 (VCV001404968.6), dbSNP rs201017770, ClinGen allele CA9528715.
Genomic context (GRCh38, chr19:46,412,373, plus strand): 5'-CGCGCTGGGCTGCTTCTCCTGTCGCCGGAGGAAGGCCTCGACCAGTTCCTCATCATCCTC[A>T]CTCTCCAGGTCGCTTCCCAGGAACTTGCTGCCCAGGTAGCTGACGGGCATTTTGCGCACC-3'
Protein context (NP_114429.2, residues 136-156): GSKFLGSDLE[Ser146Arg]EDDEELVEAF

ClinVar aggregate classification (germline): Uncertain significance. Review status: criteria provided, multiple submitters, no conflicts (2 of 4 stars). 2 submissions from 2 submitters: Uncertain significance (2). Last evaluated 2024-12-05.

Conditions:
Inborn genetic diseases. Identifiers: MedGen C0950123, MeSH D030342.

Allele frequency attached by ClinVar (database versions not stated): gnomAD exomes 0.00001 and 0.00002; ExAC 0.00002; gnomAD 0.00011; TOPMed 0.00011; 1000 Genomes Project 30x 0.00016; 1000 Genomes Project 0.00020.
gnomAD v4.1: 32 of 1,612,624 alleles (0.002%); highest among the groups gnomAD compares: African/African-American, 0.036%; no homozygotes.

Submissions (2):

Ambry Genetics
Classification: Uncertain significance for Inborn genetic diseases. Last evaluated: 2024-12-05. Review status: criteria provided, single submitter. Criteria: Ambry Variant Classification Scheme 2023. Collection method: clinical testing. Allele origin: germline.

Labcorp Genetics (formerly Invitae), Labcorp
Classification: Uncertain significance. Last evaluated: 2021-08-26. Review status: criteria provided, single submitter. Criteria: Invitae Variant Classification Sherloc (09022015). Collection method: clinical testing. Allele origin: germline.
Comment: This sequence change replaces serine with arginine at codon 146 of the CCDC8 protein (p.Ser146Arg). The serine residue is highly conserved and there is a moderate physicochemical difference between serine and arginine. This variant is present in population databases (rs201017770, ExAC 0.03%). This variant has not been reported in the literature in individuals affected with CCDC8-related conditions. Algorithms developed to predict the effect of missense changes on protein structure and function output the following: SIFT: "Deleterious"; PolyPhen-2: "Possibly Damaging"; Align-GVGD: "Class C65". The arginine amino acid residue is found in multiple mammalian species, which suggests that this missense change does not adversely affect protein function. In summary, the available evidence is currently insufficient to determine the role of this variant in disease. Therefore, it has been classified as a Variant of Uncertain Significance.